The following is an entry in ClinVar:

NM_182961.4(SYNE1):c.17682+1G>A

Gene: SYNE1 (spectrin repeat containing nuclear envelope protein 1; minus strand). Cytogenetic location: 6q25.2.
Variant type: single nucleotide variant.
Coding change: c.17682+1G>A on transcript NM_182961.4 (MANE Select); the canonical splice donor site of the intron after coding-DNA position 17682, G replaced by A.
Molecular consequence: splice donor variant.
Genome position (GRCh38, 1-based): chr6:152,300,640, C>T on the plus strand (G>A on the coding strand, the complement: SYNE1 is on the minus strand). VCF-style: chr6-152300640-C-T. GRCh37 (hg19) VCF-style: chr6-152621775-C-T.
Other names: c.17469+1G>A (NM_033071.5).
Identifiers: ClinVar variation 423690 (VCV000423690.8), dbSNP rs1064796579, ClinGen allele CA16618256.

ClinVar aggregate classification (germline): Likely pathogenic. Review status: criteria provided, multiple submitters, no conflicts (2 of 4 stars). 2 submissions from 2 submitters: Likely pathogenic (2). Last evaluated 2023-12-20.

Conditions:
Emery-Dreifuss muscular dystrophy 4, autosomal dominant (EDMD4). Also called: EMERY-DREIFUSS MUSCULAR DYSTROPHY 4 WITH VARIABLE FEATURES. Identifiers: Orphanet 261, MedGen C2751807, MONDO:0013071, OMIM 612998.
Autosomal recessive ataxia, Beauce type. Also called: SYNE1 Deficiency; Spinocerebellar ataxia, autosomal recessive 8; SYNE1-Related Autosomal Recessive Cerebellar Ataxia; ATAXIA, RECESSIVE, OF BEAUCE. Identifiers: Orphanet 88644, MedGen C1853116, MONDO:0012549, OMIM 610743.

Allele frequency attached by ClinVar (database versions not stated): gnomAD exomes below 0.00001; gnomAD 0.00003.
gnomAD v4.1: 1 of 1,614,122 alleles (0.000062%); highest among the groups gnomAD compares: African/African-American, 0.0013%; no homozygotes.

Submissions (2):

GeneDx
Classification: Likely pathogenic. Last evaluated: 2023-12-20. Review status: criteria provided, single submitter. Criteria: GeneDx Variant Classification Process June 2021. Collection method: clinical testing. Allele origin: germline. Affected: yes.
Comment: Canonical splice site variant predicted to result in an in-frame loss of the adjacent exon in a gene for which loss of function is a known mechanism of disease; Not observed at significant frequency in large population cohorts (gnomAD); Has not been previously published as pathogenic or benign to our knowledge

Labcorp Genetics (formerly Invitae), Labcorp
Classification: Likely pathogenic for Emery-Dreifuss muscular dystrophy 4, autosomal dominant; Autosomal recessive ataxia, Beauce type. Last evaluated: 2022-02-18. Review status: criteria provided, single submitter. Criteria: Invitae Variant Classification Sherloc (09022015). Collection method: clinical testing. Allele origin: germline.
Comment: This sequence change affects a donor splice site in intron 92 of the SYNE1 gene. It is expected to disrupt RNA splicing. Variants that disrupt the donor or acceptor splice site typically lead to a loss of protein function (PMID: 16199547), and loss-of-function variants in SYNE1 are known to be pathogenic (PMID: 19542096, 24319099, 27086870). This variant is present in population databases (no rsID available, gnomAD 0.01%). This variant has not been reported in the literature in individuals affected with SYNE1-related conditions. ClinVar contains an entry for this variant (Variation ID: 423690). In summary, the currently available evidence indicates that the variant is pathogenic, but additional data are needed to prove that conclusively. Therefore, this variant has been classified as Likely Pathogenic.

Literature cited by the submitters: PubMed 16199547 (cited by Labcorp Genetics (formerly Invitae), Labcorp); PubMed 19542096 (cited by Labcorp Genetics (formerly Invitae), Labcorp); PubMed 24319099 (cited by Labcorp Genetics (formerly Invitae), Labcorp); PubMed 27086870 (cited by Labcorp Genetics (formerly Invitae), Labcorp).